The following is an entry in ClinVar:

NM_144687.4(NLRP12):c.1207G>A (p.Val403Ile)

Gene: NLRP12 (NLR family pyrin domain containing 12; minus strand). Cytogenetic location: 19q13.42.
Variant type: single nucleotide variant.
Coding change: c.1207G>A on transcript NM_144687.4 (MANE Select); coding-DNA position 1207, G replaced by A.
Protein change: p.Val403Ile; replaces valine 403 with isoleucine.
Molecular consequence: missense variant.
Genome position (GRCh38, 1-based): chr19:53,810,452, C>T on the plus strand (G>A on the coding strand, the complement: NLRP12 is on the minus strand). VCF-style: chr19-53810452-C-T. GRCh37 (hg19) VCF-style: chr19-54313706-C-T.
Other names: c.1207G>A, p.Val403Ile (NM_001277126.2, NM_001277129.1); c.1207G>A (NM_144687.2); short protein forms V403I.
Identifiers: ClinVar variation 1425773 (VCV001425773.9), dbSNP rs765948822, ClinGen allele CA9639497.

ClinVar aggregate classification (germline): Uncertain significance. Review status: criteria provided, multiple submitters, no conflicts (2 of 4 stars). 2 submissions from 2 submitters: Uncertain significance (2). Last evaluated 2025-11-03.

Conditions:
Inborn genetic diseases. Identifiers: MedGen C0950123, MeSH D030342.
Familial cold autoinflammatory syndrome 2 (FCAS2). Identifiers: Orphanet 247868, MedGen C2673198, MONDO:0012724, OMIM 611762.

gnomAD v4.1: 29 of 1,613,944 alleles (0.0018%); highest among the groups gnomAD compares: South Asian, 0.0055%; no homozygotes.

Submissions (2):

Labcorp Genetics (formerly Invitae), Labcorp
Classification: Uncertain significance for Familial cold autoinflammatory syndrome 2. Last evaluated: 2025-11-03. Review status: criteria provided, single submitter. Criteria: Invitae Variant Classification Sherloc (09022015). Collection method: clinical testing. Allele origin: germline.
Comment: This sequence change replaces valine, which is neutral and non-polar, with isoleucine, which is neutral and non-polar, at codon 403 of the NLRP12 protein (p.Val403Ile). This variant is present in population databases (rs765948822, gnomAD 0.01%). This variant has not been reported in the literature in individuals affected with NLRP12-related conditions. ClinVar contains an entry for this variant (Variation ID: 1425773). An algorithm developed to predict the effect of missense changes on protein structure and function outputs the following: PolyPhen-2: "Benign". The isoleucine amino acid residue is found in multiple mammalian species, which suggests that this missense change does not adversely affect protein function. In summary, the available evidence is currently insufficient to determine the role of this variant in disease. Therefore, it has been classified as a Variant of Uncertain Significance.

Ambry Genetics
Classification: Uncertain significance for Inborn genetic diseases. Last evaluated: 2025-02-19. Review status: criteria provided, single submitter. Criteria: Ambry Variant Classification Scheme 2023. Collection method: clinical testing. Allele origin: germline.